The following is an entry in ClinVar:

ClinVar aggregate classification (germline): Uncertain significance (1 of 4 stars; one submission).

gnomAD v4.1: 2 of 1,613,714 alleles (0.00012%); highest among the groups gnomAD compares: Admixed American, 0.0017%; no homozygotes.

Submission:

GeneDx
Classification: Uncertain significance. Last evaluated: 2024-10-16. Review status: criteria provided, single submitter. Criteria: GeneDx Variant Classification Process June 2021. Collection method: clinical testing. Allele origin: germline. Affected: yes.
Comment: Not observed at significant frequency in large population cohorts (gnomAD); In silico analysis indicates that this missense variant does not alter protein structure/function; Has not been previously published as pathogenic or benign to our knowledge

NM_022915.5(MRPL44):c.859G>C (p.Glu287Gln)

Gene: MRPL44 (mitochondrial ribosomal protein L44; plus strand). Cytogenetic location: 2q36.1.
Variant type: single nucleotide variant.
Coding change: c.859G>C on transcript NM_022915.5 (MANE Select); coding-DNA position 859, G replaced by C.
Protein change: p.Glu287Gln; replaces glutamic acid 287 with glutamine.
Molecular consequence: missense variant.
Genome position (GRCh38, 1-based): chr2:223,966,894, G>C. VCF-style: chr2-223966894-G-C. GRCh37 (hg19) VCF-style: chr2-224831611-G-C.
Other names: short protein forms E287Q.
Identifiers: ClinVar variation 3781171 (VCV003781171.1).
Genomic context (GRCh38, chr2:223,966,894, plus strand): 5'-TTTAAGACTACTGTTTGTTCTCTTTCTAGTGATAAAAAGTTGATTGCAGAAGGACCTGGG[G>C]AAACAGTATTGGTTGCAGAAGAAGAGGCTGCTCGAGTGGCCCTTAGAAAACTTTATGGAT-3'
Protein context (NP_075066.1, residues 277-297): DKKLIAEGPG[Glu287Gln]TVLVAEEEAA